The following is an entry in ClinVar:

NM_007272.3(CTRC):c.577G>T (p.Gly193Cys)

Gene: CTRC (chymotrypsin C; plus strand). Cytogenetic location: 1p36.21.
Variant type: single nucleotide variant.
Coding change: c.577G>T on transcript NM_007272.3 (MANE Select); coding-DNA position 577, G replaced by T.
Protein change: p.Gly193Cys; replaces glycine 193 with cysteine.
Molecular consequence: missense variant.
Genome position (GRCh38, 1-based): chr1:15,444,689, G>T. VCF-style: chr1-15444689-G-T. GRCh37 (hg19) VCF-style: chr1-15771184-G-T.
Other names: short protein forms G193C.
Identifiers: ClinVar variation 1749605 (VCV001749605.2), dbSNP rs2526301403, ClinGen allele CA338567265.

ClinVar aggregate classification (germline): Uncertain significance (1 of 4 stars; one submission).

Conditions:
Hereditary pancreatitis (PCTT). Also called: Hereditary chronic pancreatitis; PRSS1-Related Hereditary Pancreatitis. Identifiers: Orphanet 676, MedGen C0238339, MONDO:0008185, OMIM 167800.

Submission:

Ambry Genetics
Classification: Uncertain significance for Hereditary pancreatitis. Last evaluated: 2021-07-18. Review status: criteria provided, single submitter. Criteria: Ambry Variant Classification Scheme 2023. Collection method: clinical testing. Allele origin: germline.
Comment: The p.G193C variant (also known as c.577G>T), located in coding exon 6 of the CTRC gene, results from a G to T substitution at nucleotide position 577. The glycine at codon 193 is replaced by cysteine, an amino acid with highly dissimilar properties. This amino acid position is conserved. In addition, the in silico prediction for this alteration is inconclusive. Since supporting evidence is limited at this time, the clinical significance of this alteration remains unclear.